The following is an entry in ClinVar:

ClinVar aggregate classification (germline): Uncertain significance (1 of 4 stars; one submission).

gnomAD v4.1: 15 of 1,614,072 alleles (0.00093%); highest among the groups gnomAD compares: East Asian, 0.0022%; no homozygotes.

Submission:

Labcorp Genetics (formerly Invitae), Labcorp
Classification: Uncertain significance. Last evaluated: 2025-07-29. Review status: criteria provided, single submitter. Criteria: Invitae Variant Classification Sherloc (09022015). Collection method: clinical testing. Allele origin: germline.
Comment: This sequence change replaces arginine, which is basic and polar, with cysteine, which is neutral and slightly polar, at codon 3027 of the SRCAP protein (p.Arg3027Cys). This variant is present in population databases (no rsID available, gnomAD 0.006%). This variant has not been reported in the literature in individuals affected with SRCAP-related conditions. Invitae Evidence Modeling of protein sequence and biophysical properties (such as structural, functional, and spatial information, amino acid conservation, physicochemical variation, residue mobility, and thermodynamic stability) indicates that this missense variant is not expected to disrupt SRCAP protein function with a negative predictive value of 80%. In summary, the available evidence is currently insufficient to determine the role of this variant in disease. Therefore, it has been classified as a Variant of Uncertain Significance.

NM_006662.3(SRCAP):c.9079C>T (p.Arg3027Cys)

Gene: SRCAP (Snf2 related CREBBP activator protein; plus strand). Cytogenetic location: 16p11.2.
Variant type: single nucleotide variant.
Coding change: c.9079C>T on transcript NM_006662.3 (MANE Select); coding-DNA position 9079, C replaced by T.
Protein change: p.Arg3027Cys; replaces arginine 3027 with cysteine.
Molecular consequence: missense variant.
Genome position (GRCh38, 1-based): chr16:30,739,119, C>T. VCF-style: chr16-30739119-C-T. GRCh37 (hg19) VCF-style: chr16-30750440-C-T.
Other names: short protein forms R3027C.
Identifiers: ClinVar variation 4738850 (VCV004738850.1).